The following is an entry in ClinVar:

ClinVar aggregate classification (germline): Uncertain significance. Review status: criteria provided, multiple submitters, no conflicts (2 of 4 stars). 3 submissions from 3 submitters: Uncertain significance (3). Last evaluated 2025-04-20.

Conditions:
Inborn genetic diseases. Identifiers: MedGen C0950123, MeSH D030342.

Allele frequency attached by ClinVar (database versions not stated): gnomAD 0.00017; TOPMed 0.00017; ExAC 0.00009; gnomAD exomes 0.00032; ESP Exome Variant Server 0.00023.
gnomAD v4.1: 523 of 1,613,970 alleles (0.032%); highest among the groups gnomAD compares: Non-Finnish European, 0.04%; 1 homozygote.

Submissions (3):

Ambry Genetics
Classification: Uncertain significance for Inborn genetic diseases. Last evaluated: 2025-04-20. Review status: criteria provided, single submitter. Criteria: Ambry Variant Classification Scheme 2023. Collection method: clinical testing. Allele origin: germline.

GeneDx
Classification: Uncertain significance. Last evaluated: 2024-05-31. Review status: criteria provided, single submitter. Criteria: GeneDx Variant Classification Process June 2021. Collection method: clinical testing. Allele origin: germline. Affected: yes.
Comment: In silico analysis supports that this missense variant has a deleterious effect on protein structure/function; Has not been previously published as pathogenic or benign to our knowledge

Labcorp Genetics (formerly Invitae), Labcorp
Classification: Uncertain significance. Last evaluated: 2022-02-09. Review status: criteria provided, single submitter. Criteria: Invitae Variant Classification Sherloc (09022015). Collection method: clinical testing. Allele origin: germline.
Comment: This sequence change replaces arginine, which is basic and polar, with threonine, which is neutral and polar, at codon 2175 of the LAMA1 protein (p.Arg2175Thr). This variant is present in population databases (rs138955237, gnomAD 0.02%). This variant has not been reported in the literature in individuals affected with LAMA1-related conditions. Algorithms developed to predict the effect of missense changes on protein structure and function are either unavailable or do not agree on the potential impact of this missense change (SIFT: "Deleterious"; PolyPhen-2: "Benign"; Align-GVGD: "Class C0"). In summary, the available evidence is currently insufficient to determine the role of this variant in disease. Therefore, it has been classified as a Variant of Uncertain Significance.

NM_005559.4(LAMA1):c.6524G>C (p.Arg2175Thr)

Gene: LAMA1 (laminin subunit alpha 1; minus strand). Cytogenetic location: 18p11.31.
Variant type: single nucleotide variant.
Coding change: c.6524G>C on transcript NM_005559.4 (MANE Select); coding-DNA position 6524, G replaced by C.
Protein change: p.Arg2175Thr; replaces arginine 2175 with threonine.
Molecular consequence: missense variant.
Genome position (GRCh38, 1-based): chr18:6,975,002, C>G on the plus strand (G>C on the coding strand, the complement: LAMA1 is on the minus strand). VCF-style: chr18-6975002-C-G. GRCh37 (hg19) VCF-style: chr18-6975001-C-G.
Other names: c.6524G>C (NM_005559.3); short protein forms R2175T.
Identifiers: ClinVar variation 2354824 (VCV002354824.6), dbSNP rs138955237, ClinGen allele CA8881194.